The following is an entry in ClinVar:

ClinVar aggregate classification (germline): Uncertain significance (1 of 4 stars; one submission).

Conditions:
Emery-Dreifuss muscular dystrophy (EDMD). Also called: Scapuloperoneal syndrome, X-linked (formerly); Humeroperoneal neuromuscular disease, (formerly). Identifiers: Orphanet 261, MedGen C0410189, MONDO:0016830.

Submission:

Labcorp Genetics (formerly Invitae), Labcorp
Classification: Uncertain significance for Emery-Dreifuss muscular dystrophy. Last evaluated: 2024-11-14. Review status: criteria provided, single submitter. Criteria: Invitae Variant Classification Sherloc (09022015). Collection method: clinical testing. Allele origin: germline.
Comment: This sequence change replaces serine, which is neutral and polar, with cysteine, which is neutral and slightly polar, at codon 567 of the SUN1 protein (p.Ser567Cys). This variant is not present in population databases (gnomAD no frequency). This variant has not been reported in the literature in individuals affected with SUN1-related conditions. An algorithm developed to predict the effect of missense changes on protein structure and function (PolyPhen-2) suggests that this variant is likely to be disruptive. In summary, the available evidence is currently insufficient to determine the role of this variant in disease. Therefore, it has been classified as a Variant of Uncertain Significance.

NM_001130965.3(SUN1):c.1700C>G (p.Ser567Cys)

Gene: SUN1 (Sad1 and UNC84 domain containing 1; plus strand). Cytogenetic location: 7p22.3.
Variant type: single nucleotide variant.
Coding change: c.1700C>G on transcript NM_001130965.3 (MANE Select); coding-DNA position 1700, C replaced by G.
Protein change: p.Ser567Cys; replaces serine 567 with cysteine.
Molecular consequence: missense variant. On other transcripts: non-coding transcript variant (3).
Genome position (GRCh38, 1-based): chr7:860,303, C>G. VCF-style: chr7-860303-C-G. GRCh37 (hg19) VCF-style: chr7-899940-C-G.
Other names: c.986C>G, p.Ser329Cys (NM_001367658.1); c.1517C>G, p.Ser506Cys (NM_001367660.1); c.1547C>G, p.Ser516Cys (NM_001367662.1, NM_001367671.1); c.1811C>G, p.Ser604Cys (NM_001367664.1, NM_001367685.1); c.1697C>G, p.Ser566Cys (NM_001367665.1, NM_001367694.1); c.1943C>G, p.Ser648Cys (NM_001367666.1); c.1661C>G, p.Ser554Cys (NM_001367667.1, NM_001367689.1); c.1742C>G, p.Ser581Cys (NM_001367668.1, NM_001367647.1); and 43 more; short protein forms S378C, S450C, S517C, S567C, S604C, S617C, S628C, S633C.
Identifiers: ClinVar variation 3725228 (VCV003725228.2).